The following is an entry in ClinVar:

ClinVar aggregate classification (germline): Uncertain significance/VUS-low. Review status: criteria provided, multiple submitters, no conflicts (2 of 4 stars). 2 submissions from 2 submitters: Uncertain significance (1); VUS-low (1). Last evaluated 2025-12-12.

Conditions:
Dilated cardiomyopathy 1JJ (CMD1JJ). Identifiers: Orphanet 154, MedGen C3808935, MONDO:0014095, OMIM 615235.

Allele frequency attached by ClinVar (database versions not stated): TOPMed below 0.00001.

Submissions (2):

Center for Molecular Medicine, Children’s Hospital of Fudan University
Classification: VUS-low for Dilated cardiomyopathy 1JJ. Last evaluated: 2025-12-12. Review status: criteria provided, single submitter. Criteria: ACMG Guidelines 2015. Collection method: clinical testing. Allele origin: paternal. Affected: yes.
Comment: PM2_PP

Labcorp Genetics (formerly Invitae), Labcorp
Classification: Uncertain significance for Dilated cardiomyopathy 1JJ. Last evaluated: 2021-08-31. Review status: criteria provided, single submitter. Criteria: Invitae Variant Classification Sherloc (09022015). Collection method: clinical testing. Allele origin: germline.
Comment: This sequence change falls in intron 22 of the LAMA4 gene. It does not directly change the encoded amino acid sequence of the LAMA4 protein. It affects a nucleotide within the consensus splice site of the intron. This variant is not present in population databases (ExAC no frequency). This variant has not been reported in the literature in individuals affected with LAMA4-related conditions. ClinVar contains an entry for this variant (Variation ID: 474175). Variants that disrupt the consensus splice site are a relatively common cause of aberrant splicing (PMID: 17576681, 9536098). Algorithms developed to predict the effect of sequence changes on RNA splicing suggest that this variant is not likely to affect RNA splicing. In summary, the available evidence is currently insufficient to determine the role of this variant in disease. Therefore, it has been classified as a Variant of Uncertain Significance.

Literature cited by the submitters: PubMed 17576681 (cited by Labcorp Genetics (formerly Invitae), Labcorp); PubMed 9536098 (cited by Labcorp Genetics (formerly Invitae), Labcorp).

NM_001105206.3(LAMA4):c.2977-3T>C

Gene: LAMA4 (laminin subunit alpha 4; minus strand). Cytogenetic location: 6q21.
Variant type: single nucleotide variant.
Coding change: c.2977-3T>C on transcript NM_001105206.3 (MANE Select); 3 bases into the intron before coding-DNA position 2977, T replaced by C.
Molecular consequence: intron variant.
Genome position (GRCh38, 1-based): chr6:112,139,888, A>G on the plus strand (T>C on the coding strand, the complement: LAMA4 is on the minus strand). VCF-style: chr6-112139888-A-G. GRCh37 (hg19) VCF-style: chr6-112461090-A-G.
Other names: c.2956-3T>C (NM_002290.5, NM_001105207.3).
Identifiers: ClinVar variation 474175 (VCV000474175.7), dbSNP rs1391739831, ClinGen allele CA658657606.